The following is an entry in ClinVar:

ClinVar aggregate classification (germline): Uncertain significance (1 of 4 stars; one submission).

Allele frequency attached by ClinVar (database versions not stated): gnomAD exomes below 0.00001; TOPMed below 0.00001; ExAC 0.00001.
gnomAD v4.1: 2 of 1,209,675 alleles (0.00017%); highest among the groups gnomAD compares: Admixed American, 0.0044%; no homozygotes.

Submission:

Labcorp Genetics (formerly Invitae), Labcorp
Classification: Uncertain significance. Last evaluated: 2022-04-15. Review status: criteria provided, single submitter. Criteria: Invitae Variant Classification Sherloc (09022015). Collection method: clinical testing. Allele origin: germline.
Comment: In summary, the available evidence is currently insufficient to determine the role of this variant in disease. Therefore, it has been classified as a Variant of Uncertain Significance. Algorithms developed to predict the effect of missense changes on protein structure and function output the following: SIFT: "Deleterious"; PolyPhen-2: "Benign"; Align-GVGD: "Class C55". The glutamic acid amino acid residue is found in multiple mammalian species, which suggests that this missense change does not adversely affect protein function. This variant has not been reported in the literature in individuals affected with COL4A6-related conditions. This variant is present in population databases (rs755374057, gnomAD 0.004%). This sequence change replaces lysine, which is basic and polar, with glutamic acid, which is acidic and polar, at codon 1306 of the COL4A6 protein (p.Lys1306Glu).

NM_033641.4(COL4A6):c.3913A>G (p.Lys1305Glu)

Gene: COL4A6 (collagen type IV alpha 6 chain; minus strand). Cytogenetic location: Xq22.3.
Variant type: single nucleotide variant.
Coding change: c.3913A>G on transcript NM_033641.4 (MANE Select); coding-DNA position 3913, A replaced by G.
Protein change: p.Lys1305Glu; replaces lysine 1305 with glutamic acid.
Molecular consequence: missense variant.
Genome position (GRCh38, 1-based): chrX:108,164,934, T>C on the plus strand (A>G on the coding strand, the complement: COL4A6 is on the minus strand). VCF-style: chrX-108164934-T-C. GRCh37 (hg19) VCF-style: chrX-107408164-T-C.
Other names: c.3964A>G, p.Lys1322Glu (NM_001287758.2); c.3841A>G, p.Lys1281Glu (NM_001287759.2, NM_001287760.2); c.3916A>G, p.Lys1306Glu (NM_001847.4); short protein forms K1322E, K1305E, K1306E, K1281E.
Identifiers: ClinVar variation 2197402 (VCV002197402.4), dbSNP rs755374057, ClinGen allele CA10487298.
Genomic context (GRCh38, chrX:108,164,934, plus strand): 5'-TACCTTTCAGTCCTAGCTCTCCAGGGAGGCCAGAAAAACCTGGAATTCCTTGGTCTCCCT[T>C]AGGCCCTTTAGGTCCAGGAATTCCAGGGAAGCCAGGGTCTCCGGTGTCGCCTTGATTCGA-3'
Protein context (NP_378667.1, residues 1295-1315): FPGIPGPKGP[Lys1305Glu]GDQGIPGFSG